The following is an entry in ClinVar:

NM_001134363.3(RBM20):c.2517T>C (p.Asp839=)

Gene: RBM20 (RNA binding motif protein 20; plus strand). Cytogenetic location: 10q25.2.
Variant type: single nucleotide variant.
Coding change: c.2517T>C on transcript NM_001134363.3 (MANE Select); coding-DNA position 2517, T replaced by C.
Protein change: p.Asp839=; no amino-acid change (aspartic acid 839 retained).
Molecular consequence: synonymous variant.
Genome position (GRCh38, 1-based): chr10:110,812,914, T>C. VCF-style: chr10-110812914-T-C. GRCh37 (hg19) VCF-style: chr10-112572672-T-C.
Identifiers: ClinVar variation 178820 (VCV000178820.6), dbSNP rs727504467, ClinGen allele CA183099.

ClinVar aggregate classification (germline): Likely benign. Review status: criteria provided, multiple submitters, no conflicts (2 of 4 stars). 2 submissions from 2 submitters: Likely benign (2). Last evaluated 2022-12-25.

Conditions:
Cardiovascular phenotype. Identifiers: MedGen CN230736.

Submissions (2):

Ambry Genetics
Classification: Likely benign for Cardiovascular phenotype. Last evaluated: 2022-12-25. Review status: criteria provided, single submitter. Criteria: Ambry Variant Classification Scheme 2023. Collection method: clinical testing. Allele origin: germline.

Laboratory for Molecular Medicine, Mass General Brigham Personalized Medicine
Classification: Likely benign. Last evaluated: 2013-03-27. Review status: criteria provided, single submitter. Criteria: LMM Criteria. Collection method: clinical testing. Allele origin: germline. Observed: 1 variant allele.
Comment: Asp839Asp in exon 9 of RBM20: This variant is not expected to have clinical sign ificance because it does not alter an amino acid residue and is not located with in the splice consensus sequence. Asp839Asp in exon 9 of RBM20 (allele frequenc y = n/a)